The following is an entry in ClinVar:

NM_001130004.2(ACTN1):c.1924A>T (p.Ile642Phe)

Gene: ACTN1 (actinin alpha 1; minus strand). Cytogenetic location: 14q24.1.
Variant type: single nucleotide variant.
Coding change: c.1924A>T on transcript NM_001130004.2 (MANE Select); coding-DNA position 1924, A replaced by T.
Protein change: p.Ile642Phe; replaces isoleucine 642 with phenylalanine.
Molecular consequence: missense variant.
Genome position (GRCh38, 1-based): chr14:68,882,487, T>A on the plus strand (A>T on the coding strand, the complement: ACTN1 is on the minus strand). VCF-style: chr14-68882487-T-A. GRCh37 (hg19) VCF-style: chr14-69349204-T-A.
Other names: c.1924A>T, p.Ile642Phe (NM_001102.4, NM_001130005.2, NM_001424012.1 and 2 more transcripts); c.1948A>T, p.Ile650Phe (NM_001411035.1, NM_001424016.1); c.1729A>T, p.Ile577Phe (NM_001411036.1, NM_001424026.1, NM_001424028.1); c.2050A>T, p.Ile684Phe (NM_001424013.1); c.2011A>T, p.Ile671Phe (NM_001424015.1); c.1921A>T, p.Ile641Phe (NM_001424017.1); c.1885A>T, p.Ile629Phe (NM_001424018.1); c.1741A>T, p.Ile581Phe (NM_001424019.1, NM_001424024.1, NM_001424025.1 and 2 more transcripts); and 3 more; short protein forms I367F, I577F, I581F, I619F, I621F, I629F, I641F, I642F.
Identifiers: ClinVar variation 4805178 (VCV004805178.1).

ClinVar aggregate classification (germline): Uncertain significance (1 of 4 stars; one submission).

Submission:

Labcorp Genetics (formerly Invitae), Labcorp
Classification: Uncertain significance. Last evaluated: 2025-06-12. Review status: criteria provided, single submitter. Criteria: Invitae Variant Classification Sherloc (09022015). Collection method: clinical testing. Allele origin: germline.
Comment: This sequence change replaces isoleucine, which is neutral and non-polar, with phenylalanine, which is neutral and non-polar, at codon 642 of the ACTN1 protein (p.Ile642Phe). This variant is not present in population databases (gnomAD no frequency). This variant has not been reported in the literature in individuals affected with ACTN1-related conditions. Invitae Evidence Modeling of protein sequence and biophysical properties (such as structural, functional, and spatial information, amino acid conservation, physicochemical variation, residue mobility, and thermodynamic stability) indicates that this missense variant is not expected to disrupt ACTN1 protein function with a negative predictive value of 80%. In summary, the available evidence is currently insufficient to determine the role of this variant in disease. Therefore, it has been classified as a Variant of Uncertain Significance.